The following is an entry in ClinVar:

ClinVar aggregate classification (germline): Uncertain significance (1 of 4 stars; one submission).

Allele frequency attached by ClinVar (database versions not stated): gnomAD exomes below 0.00001.
gnomAD v4.1: 1 of 1,588,484 alleles (0.000063%); highest among the groups gnomAD compares: Non-Finnish European, 0.000086%; no homozygotes.

Submission:

CeGaT Center for Human Genetics Tuebingen
Classification: Uncertain significance. Last evaluated: 2023-01-01. Review status: criteria provided, single submitter. Criteria: CeGaT Center For Human Genetics Tuebingen Variant Classification Criteria Version 2. Collection method: clinical testing. Allele origin: germline. Affected: yes. Observed: 1 variant allele.
Comment: KDM4B: PM2

NM_015015.3(KDM4B):c.3154G>A (p.Gly1052Arg)

Gene: KDM4B (lysine demethylase 4B; plus strand). Cytogenetic location: 19p13.3.
Variant type: single nucleotide variant.
Coding change: c.3154G>A on transcript NM_015015.3 (MANE Select); coding-DNA position 3154, G replaced by A.
Protein change: p.Gly1052Arg; replaces glycine 1052 with arginine.
Molecular consequence: missense variant.
Genome position (GRCh38, 1-based): chr19:5,151,374, G>A. VCF-style: chr19-5151374-G-A. GRCh37 (hg19) VCF-style: chr19-5151385-G-A.
Other names: c.3256G>A, p.Gly1086Arg (NM_001411148.1); short protein forms G1052R, G1086R.
Identifiers: ClinVar variation 2649107 (VCV002649107.24), dbSNP rs2512186873, ClinGen allele CA403511920.
Genomic context (GRCh38, chr19:5,151,374, plus strand): 5'-TGTGCTTCCGCTCTCCCGCAGTCACTGAGCACGGGGGCACCGCAGGAGCCCGCCTTCTCG[G>A]GGGAGGAGGCCAAGGCCGCCAAGCGCCCGCGTGTGGGCACCCCGCTTGCCACGGAGGACT-3'
Protein context (NP_055830.1, residues 1042-1062): TGAPQEPAFS[Gly1052Arg]EEAKAAKRPR